The following is an entry in ClinVar:

ClinVar aggregate classification (germline): Uncertain significance (1 of 4 stars; one submission).

Conditions:
Inborn genetic diseases. Identifiers: MedGen C0950123, MeSH D030342.

Submission:

Ambry Genetics
Classification: Uncertain significance for Inborn genetic diseases. Last evaluated: 2025-06-13. Review status: criteria provided, single submitter. Criteria: Ambry Variant Classification Scheme 2023. Collection method: clinical testing. Allele origin: germline.
Comment: The p.I865T variant (also known as c.2594T>C), located in coding exon 27 of the FANCA gene, results from a T to C substitution at nucleotide position 2594. The isoleucine at codon 865 is replaced by threonine, an amino acid with similar properties. This amino acid position is conserved. In addition, the in silico prediction for this alteration is inconclusive. Based on the available evidence, the clinical significance of this variant remains unclear.

NM_000135.4(FANCA):c.2594T>C (p.Ile865Thr)

Gene: FANCA (FA complementation group A; minus strand). Cytogenetic location: 16q24.3.
Variant type: single nucleotide variant.
Coding change: c.2594T>C on transcript NM_000135.4 (MANE Select); coding-DNA position 2594, T replaced by C.
Protein change: p.Ile865Thr; replaces isoleucine 865 with threonine.
Molecular consequence: missense variant.
Genome position (GRCh38, 1-based): chr16:89,767,148, A>G on the plus strand (T>C on the coding strand, the complement: FANCA is on the minus strand). VCF-style: chr16-89767148-A-G. GRCh37 (hg19) VCF-style: chr16-89833556-A-G.
Other names: c.2594T>C, p.Ile865Thr (NM_001286167.3); short protein forms I865T.
Identifiers: ClinVar variation 4022376 (VCV004022376.1).